The following is an entry in ClinVar:

NM_032578.4(MYPN):c.3793+241G>C

Gene: MYPN (myopalladin; plus strand). Cytogenetic location: 10q21.3.
Variant type: single nucleotide variant.
Coding change: c.3793+241G>C on transcript NM_032578.4 (MANE Select); 241 bases into the intron after coding-DNA position 3793, G replaced by C.
Molecular consequence: intron variant.
Genome position (GRCh38, 1-based): chr10:68,207,144, G>C. VCF-style: chr10-68207144-G-C. GRCh37 (hg19) VCF-style: chr10-69966901-G-C.
Other names: c.3793+241G>C (NM_001256267.2); c.2911+241G>C (NM_001256268.2).
Identifiers: ClinVar variation 678138 (VCV000678138.1), dbSNP rs10823157, ClinGen allele CA13222939.
Genomic context (GRCh38, chr10:68,207,144, plus strand): 5'-TCCACCTCTACTAAAAATACAAAAATTAGCCAGGCATGGTGGCACACACCTGTAATCCCA[G>C]CTACTCGGGCAGCTGAGGCAGAAGAATTGGTTGAACCCAGGAGGCAGAGGTTGCAGTGAC-3'

ClinVar aggregate classification (germline): Benign (1 of 4 stars; one submission).

Allele frequency attached by ClinVar (database versions not stated): 1000 Genomes Project 0.66414; 1000 Genomes Project 30x 0.66646; gnomAD 0.72797 and 0.73540; TOPMed 0.72861.
gnomAD v4.1: 110,473 of 151,836 alleles (73%); highest among the groups gnomAD compares: African/African-American, 77%; 40,505 homozygotes.

Submission:

GeneDx
Classification: Benign. Last evaluated: 2018-06-14. Review status: criteria provided, single submitter. Criteria: GeneDx Variant Classification (06012015). Collection method: clinical testing. Allele origin: germline. Affected: yes.
Comment: This variant is considered likely benign or benign based on one or more of the following criteria: it is a conservative change, it occurs at a poorly conserved position in the protein, it is predicted to be benign by multiple in silico algorithms, and/or has population frequency not consistent with disease.